The following is an entry in ClinVar:

NM_022436.3(ABCG5):c.235G>A (p.Gly79Arg)

Gene: ABCG5 (ATP binding cassette subfamily G member 5; minus strand). Cytogenetic location: 2p21.
Variant type: single nucleotide variant.
Coding change: c.235G>A on transcript NM_022436.3 (MANE Select); coding-DNA position 235, G replaced by A.
Protein change: p.Gly79Arg; replaces glycine 79 with arginine.
Molecular consequence: missense variant.
Genome position (GRCh38, 1-based): chr2:43,837,864, C>T on the plus strand (G>A on the coding strand, the complement: ABCG5 is on the minus strand). VCF-style: chr2-43837864-C-T. GRCh37 (hg19) VCF-style: chr2-44065003-C-T.
Other names: short protein forms G79R.
Identifiers: ClinVar variation 598521 (VCV000598521.32), dbSNP rs142125966, ClinGen allele CA1636740.

ClinVar aggregate classification (germline): Uncertain significance. Review status: criteria provided, multiple submitters, no conflicts (2 of 4 stars). 13 submissions from 13 submitters: Uncertain significance (13). Last evaluated 2026-01-22.

Conditions:
Sitosterolemia 1. Identifiers: MedGen C2749759, MONDO:0020747, OMIM 210250.
Sitosterolemia 2. Identifiers: MedGen C5231453, MONDO:0020748, OMIM 618666.
Sitosterolemia (STSL). Also called: PHYTOSTEROLEMIA. Identifiers: Orphanet 2882, MedGen C0342907, MONDO:0008863.
Cardiovascular phenotype. Identifiers: MedGen CN230736.
ABCG5-related disorder. Also called: ABCG5-related condition.

Allele frequency attached by ClinVar (database versions not stated): ExAC 0.00032; TOPMed 0.00036; gnomAD exomes 0.00039 and 0.00059; gnomAD 0.00046 and 0.00047; ESP Exome Variant Server 0.00069.
gnomAD v4.1: 924 of 1,613,960 alleles (0.057%); highest among the groups gnomAD compares: Non-Finnish European, 0.073%; no homozygotes.

Submissions (13):

Labcorp Genetics (formerly Invitae), Labcorp
Classification: Uncertain significance for Sitosterolemia. Last evaluated: 2026-01-22. Review status: criteria provided, single submitter. Criteria: Invitae Variant Classification Sherloc (09022015). Collection method: clinical testing. Allele origin: germline.
Comment: This sequence change replaces glycine, which is neutral and non-polar, with arginine, which is basic and polar, at codon 79 of the ABCG5 protein (p.Gly79Arg). This variant is present in population databases (rs142125966, gnomAD 0.07%). This missense change has been observed in individual(s) with clinical features of familial hypercholesterolemia (PMID: 30270055, 32088153). ClinVar contains an entry for this variant (Variation ID: 598521). An algorithm developed to predict the effect of missense changes on protein structure and function (PolyPhen-2) suggests that this variant is likely to be disruptive. In summary, the available evidence is currently insufficient to determine the role of this variant in disease. Therefore, it has been classified as a Variant of Uncertain Significance.

PreventionGenetics, part of Exact Sciences
Classification: Uncertain significance for ABCG5-related condition. Last evaluated: 2025-11-26. Review status: criteria provided, single submitter. Criteria: ACMG Guidelines, 2015. Collection method: clinical testing. Allele origin: germline.
Comment: The ABCG5 c.235G>A variant is predicted to result in the amino acid substitution p.Gly79Arg. This variant has been reported in individuals with hypercholesterolemia (Corral et al. 2018. PubMed ID: 30270055; Reeskamp et al. 2020. PubMed ID: 32088153). This variant has also been reported in a cohort study with hypoalphalipoproteinemia (Table S3, Dong et al. 2022. PubMed ID: 35460704) and in a cohort study with ischemic stroke cohort (Table S1, Alkhamis et al. 2023. PubMed ID: 36973604). This variant is reported in 0.070% of alleles in individuals of European (Non-Finnish) descent in gnomAD. At this time, the clinical significance of this variant is uncertain due to the absence of conclusive functional and genetic evidence.

Ambry Genetics
Classification: Uncertain significance for Cardiovascular phenotype. Last evaluated: 2025-02-03. Review status: criteria provided, single submitter. Criteria: Ambry Variant Classification Scheme 2023. Collection method: clinical testing. Allele origin: germline.
Comment: The p.G79R variant (also known as c.235G>A), located in coding exon 2 of the ABCG5 gene, results from a G to A substitution at nucleotide position 235. The glycine at codon 79 is replaced by arginine, an amino acid with dissimilar properties. This variant has been detected in hypercholesterolemia cohorts; however, clinical details were limited (Corral P et al. Atherosclerosis, 2018 10;277:256-261; Reeskamp LF et al. J Clin Lipidol, 2020 Jan;14:207-217.e7). This variant has also been reported in a low cholesterol cohort and in an ischemic stroke cohort (Dong W et al. J Lipid Res, 2022 Jun;63:100209; Alkhamis FA et al. Funct Integr Genomics, 2023 Mar;23:102). This amino acid position is highly conserved in available vertebrate species. In addition, this alteration is predicted to be deleterious by in silico analysis. Since supporting evidence is limited at this time, the clinical significance of this alteration remains unclear.

Women's Health and Genetics/Laboratory Corporation of America, LabCorp
Classification: Uncertain significance. Last evaluated: 2024-12-09. Review status: criteria provided, single submitter. Criteria: LabCorp Variant Classification Summary - May 2015. Collection method: clinical testing. Allele origin: germline.
Comment: Variant summary: ABCG5 c.235G>A (p.Gly79Arg) results in a non-conservative amino acid change located in the ATP-binding cassette, ABC transporter-type domain of the encoded protein sequence. Four of four in-silico tools predict a damaging effect of the variant on protein function. The variant allele was found at a frequency of 0.00039 in 251492 control chromosomes. This frequency is not significantly higher than estimated for a pathogenic variant in ABCG5 causing Early Onset Coronary Artery Disease (0.00039 vs 0.005), allowing no conclusion about variant significance. c.235G>A has been reported in the literature in individuals affected with Hypercholesterolaemia (examples:Corral__2018, Reeskamp_2020, Dong_2022). These report(s) do not provide unequivocal conclusions about association of the variant with Early Onset Coronary Artery Disease. To our knowledge, no experimental evidence demonstrating an impact on protein function has been reported. The following publications have been ascertained in the context of this evaluation (PMID: 30270055, 35460704, 32088153). ClinVar contains an entry for this variant (Variation ID: 598521). Based on the evidence outlined above, the variant was classified as uncertain significance.

Blueprint Genetics
Classification: Uncertain significance. Last evaluated: 2024-10-25. Review status: criteria provided, single submitter. Criteria: ACMG Guidelines, 2015. Collection method: clinical testing. Allele origin: germline.

Revvity Omics, Revvity
Classification: Uncertain significance for Sitosterolemia 2. Last evaluated: 2024-01-02. Review status: criteria provided, single submitter. Criteria: ACMG Guidelines, 2015. Collection method: clinical testing. Allele origin: germline.

New York Genome Center
Classification: Uncertain significance for Sitosterolemia 2. Last evaluated: 2022-04-14. Review status: criteria provided, single submitter. Criteria: NYGC Assertion Criteria 2020. Collection method: clinical testing. Allele origin: germline. Observed: 1 heterozygote.

Mayo Clinic Laboratories, Mayo Clinic
Classification: Uncertain significance. Last evaluated: 2022-02-24. Review status: criteria provided, single submitter. Criteria: ACMG Guidelines, 2015. Collection method: clinical testing. Allele origin: germline. Observed: 2 variant alleles.

Fulgent Genetics
Classification: Uncertain significance for Sitosterolemia 2. Last evaluated: 2021-11-23. Review status: criteria provided, single submitter. Criteria: ACMG Guidelines, 2015. Collection method: clinical testing. Allele origin: unknown.

GeneDx
Classification: Uncertain significance. Last evaluated: 2021-02-10. Review status: criteria provided, single submitter. Criteria: GeneDx Variant Classification Process June 2021. Collection method: clinical testing. Allele origin: germline. Affected: yes.
Comment: In silico analysis supports that this missense variant has a deleterious effect on protein structure/function; This variant is associated with the following publications: (PMID: 32088153, 30270055)

Eurofins Ntd Llc (ga)
Classification: Uncertain significance. Last evaluated: 2018-08-22. Review status: criteria provided, single submitter. Criteria: EGL ClinVar v180209 classification definitions. Collection method: clinical testing. Allele origin: germline. Observed: 1 variant allele, 1 heterozygote.

Illumina Laboratory Services, Illumina
Classification: Uncertain significance for Sitosterolemia 1. Last evaluated: 2018-01-13. Review status: criteria provided, single submitter. Criteria: ICSL Variant Classification Criteria 13 December 2019. Collection method: clinical testing. Allele origin: germline.

Breakthrough Genomics
Classification: Uncertain significance. Review status: criteria provided, single submitter. Criteria: ACMG Guidelines, 2015. Collection method: not provided. Allele origin: germline. Inheritance: Autosomal recessive inheritance. Affected: yes.

Literature cited by the submitters: PubMed 30270055 (cited by 4 submitters); PubMed 32088153 (cited by 4 submitters); PubMed 35460704 (cited by Ambry Genetics and Women's Health and Genetics/Laboratory Corporation of America, LabCorp); PubMed 36973604 (cited by Ambry Genetics).